The following is an entry in ClinVar:

ClinVar aggregate classification (germline): Likely pathogenic (1 of 4 stars; one submission).

Conditions:
Joubert syndrome and related disorders. Identifiers: Orphanet 140874, MedGen C5679612, MONDO:0015369.

Submission:

Women's Health and Genetics/Laboratory Corporation of America, LabCorp
Classification: Likely pathogenic for Joubert syndrome and related disorders. Last evaluated: 2023-03-31. Review status: criteria provided, single submitter. Criteria: LabCorp Variant Classification Summary - May 2015. Collection method: clinical testing. Allele origin: germline.
Comment: Variant summary: B9D2 c.33delinsTG (p.Ala13GlyfsX8) results in a premature termination codon, predicted to cause a truncation of the encoded protein or absence of the protein due to nonsense mediated decay, which are commonly known mechanisms for disease. Truncations downstream of this position have been classified as pathogenic by our laboratory and in ClinVar. The variant was absent in 251390 control chromosomes (gnomAD). To our knowledge, no occurrence of c.33delinsTG in individuals affected with Joubert Syndrome And Related Disorders and no experimental evidence demonstrating its impact on protein function have been reported. No clinical diagnostic laboratories have submitted clinical-significance assessments for this variant to ClinVar after 2014. Based on the evidence outlined above, the variant was classified as likely pathogenic.

NM_030578.4(B9D2):c.33delinsTG (p.Ala13fs)

Gene: B9D2 (B9 domain containing 2; minus strand). Cytogenetic location: 19q13.2.
Variant type: Indel.
Coding change: c.33delinsTG on transcript NM_030578.4 (MANE Select); coding-DNA position 33, A replaced by TG.
Protein change: p.Ala13fs; shifts the reading frame from alanine 13.
Molecular consequence: frameshift variant.
Genome position (GRCh38, 1-based): chr19:41,363,487, T replaced by CA on the plus strand (A replaced by TG on the coding strand, the reverse complement: B9D2 is on the minus strand). VCF-style: chr19-41363487-T-CA. GRCh37 (hg19) VCF-style: chr19-41869392-T-CA.
Other names: short protein forms A13fs.
Identifiers: ClinVar variation 2501263 (VCV002501263.1), dbSNP rs2513408240, ClinGen allele CA2580614903.